The following is an entry in ClinVar:

ClinVar aggregate classification (germline): Likely pathogenic (1 of 4 stars; one submission).

Conditions:
Cardiovascular phenotype. Identifiers: MedGen CN230736.

Submission:

Ambry Genetics
Classification: Likely pathogenic for Cardiovascular phenotype. Last evaluated: 2017-04-03. Review status: criteria provided, single submitter. Criteria: Ambry Variant Classification Scheme 2023. Collection method: clinical testing. Allele origin: germline.
Comment: ASSESSED FOR SOMATIC SAMPLE ONLY. FOR ANY GERMLINE INDICATION, PLEASE REASSESS.

NM_004985.5(KRAS):c.350A>C (p.Lys117Thr)

Gene: KRAS (KRAS proto-oncogene, GTPase; minus strand). Cytogenetic location: 12p12.1.
Variant type: single nucleotide variant.
Coding change: c.350A>C on transcript NM_004985.5 (MANE Select); coding-DNA position 350, A replaced by C.
Protein change: p.Lys117Thr; replaces lysine 117 with threonine.
Molecular consequence: missense variant.
Genome position (GRCh38, 1-based): chr12:25,225,714, T>G on the plus strand (A>C on the coding strand, the complement: KRAS is on the minus strand). VCF-style: chr12-25225714-T-G. GRCh37 (hg19) VCF-style: chr12-25378648-T-G.
Other names: c.350A>C, p.Lys117Thr (NM_001369786.1, NM_001369787.1, NM_033360.4); short protein forms K117T.
Identifiers: ClinVar variation 3224559 (VCV003224559.1), dbSNP rs2141506236, ClinGen allele CA384151464.